The following is an entry in ClinVar:

NM_000082.4(ERCC8):c.504A>G (p.Val168=)

Gene: ERCC8 (ERCC excision repair 8, CSA ubiquitin ligase complex subunit; minus strand). Cytogenetic location: 5q12.1.
Variant type: single nucleotide variant.
Coding change: c.504A>G on transcript NM_000082.4 (MANE Select); coding-DNA position 504, A replaced by G.
Protein change: p.Val168=; no amino-acid change (valine 168 retained).
Molecular consequence: synonymous variant.
Genome position (GRCh38, 1-based): chr5:60,903,694, T>C on the plus strand (A>G on the coding strand, the complement: ERCC8 is on the minus strand). VCF-style: chr5-60903694-T-C. GRCh37 (hg19) VCF-style: chr5-60199521-T-C.
Other names: c.330A>G, p.Val110= (NM_001007233.3); c.504A>G, p.Val168= (NM_001007234.3); c.45A>G, p.Val15= (NM_001290285.2).
Identifiers: ClinVar variation 701917 (VCV000701917.16), dbSNP rs35366433, ClinGen allele CA3277826.
Genomic context (GRCh38, chr5:60,903,694, plus strand): 5'-TAAAATAAAAATACCCTGTAGAATGTGAGAACAGGATCCAGACTTCAAGTCACAAAGTTG[T>C]ACTTTGGGTCCTCTAGTACCAACTGTAAAAACAGAACCGGTTTAAGATAATTTTATCATA-3'
Protein context (NP_000073.1, residues 158-178): LVAVGTRGPK[Val168=]QLCDLKSGSC

ClinVar aggregate classification (germline): Benign/Likely benign. Review status: criteria provided, multiple submitters, no conflicts (2 of 4 stars). 3 submissions from 3 submitters: Benign (2); Likely benign (1). Last evaluated 2026-01-30.

Conditions:
Cockayne syndrome type 1. Also called: Cockayne syndrome type I; Cockayne syndrome classical; Cockayne syndrome classic form. Identifiers: Orphanet 191, Orphanet 90321, MedGen C0751039, MONDO:0019569, OMIM 216400.

Allele frequency attached by ClinVar (database versions not stated): gnomAD exomes 0.00051 and 0.00147; ExAC 0.00183; 1000 Genomes Project 0.00399; 1000 Genomes Project 30x 0.00422; gnomAD 0.00585 and 0.00639; TOPMed 0.00644; ESP Exome Variant Server 0.00661.
gnomAD v4.1: 1,677 of 1,612,736 alleles (0.1%); highest among the groups gnomAD compares: African/African-American, 2%; 20 homozygotes.

Submissions (3):

Labcorp Genetics (formerly Invitae), Labcorp
Classification: Benign. Last evaluated: 2026-01-30. Review status: criteria provided, single submitter. Criteria: Invitae Variant Classification Sherloc (09022015). Collection method: clinical testing. Allele origin: germline.

GeneDx
Classification: Likely benign. Last evaluated: 2020-11-24. Review status: criteria provided, single submitter. Criteria: GeneDx Variant Classification Process June 2021. Collection method: clinical testing. Allele origin: germline. Affected: yes.

Illumina Laboratory Services, Illumina
Classification: Benign for Cockayne syndrome type 1. Last evaluated: 2018-01-12. Review status: criteria provided, single submitter. Criteria: ICSL Variant Classification Criteria 13 December 2019. Collection method: clinical testing. Allele origin: germline.
Comment: This variant was observed in the ICSL laboratory as part of a predisposition screen in an ostensibly healthy population. It had not been previously curated by ICSL or reported in the Human Gene Mutation Database (HGMD: prior to June 1st, 2018), and was therefore a candidate for classification through an automated scoring system. Utilizing variant allele frequency, disease prevalence and penetrance estimates, and inheritance mode, an automated score was calculated to assess if this variant is too frequent to cause the disease. Based on the score and internal cut-off values, a variant classified as benign is not then subjected to further curation. The score for this variant resulted in a classification of benign for this disease.